The following is an entry in ClinVar:

ClinVar aggregate classification (germline): Uncertain significance (1 of 4 stars; one submission).

Conditions:
Hereditary sensory and autonomic neuropathy type 1 (HSAN1). Also called: HSAN 1; HSN Type I; Hereditary Sensory Neuropathy Type I. Identifiers: Orphanet 36386, MedGen C0020071, MONDO:0018213.

Allele frequency attached by ClinVar (database versions not stated): gnomAD exomes 0.00001 and 0.00002; gnomAD 0.00011 and 0.00010; 1000 Genomes Project 30x 0.00047; ExAC 0.00003; ESP Exome Variant Server 0.00015; TOPMed 0.00009; 1000 Genomes Project 0.00040.
gnomAD v4.1: 29 of 1,612,908 alleles (0.0018%); highest among the groups gnomAD compares: African/African-American, 0.037%; no homozygotes.

Submission:

Labcorp Genetics (formerly Invitae), Labcorp
Classification: Uncertain significance for Hereditary sensory and autonomic neuropathy type 1. Last evaluated: 2024-04-24. Review status: criteria provided, single submitter. Criteria: Invitae Variant Classification Sherloc (09022015). Collection method: clinical testing. Allele origin: germline.
Comment: This sequence change replaces valine, which is neutral and non-polar, with methionine, which is neutral and non-polar, at codon 385 of the SPTLC1 protein (p.Val385Met). This variant is present in population databases (rs373007603, gnomAD 0.03%). This variant has not been reported in the literature in individuals affected with SPTLC1-related conditions. ClinVar contains an entry for this variant (Variation ID: 1468340). Advanced modeling of protein sequence and biophysical properties (such as structural, functional, and spatial information, amino acid conservation, physicochemical variation, residue mobility, and thermodynamic stability) performed at Invitae indicates that this missense variant is not expected to disrupt SPTLC1 protein function with a negative predictive value of 80%. In summary, the available evidence is currently insufficient to determine the role of this variant in disease. Therefore, it has been classified as a Variant of Uncertain Significance.

NM_006415.4(SPTLC1):c.1153G>A (p.Val385Met)

Gene: SPTLC1 (serine palmitoyltransferase long chain base subunit 1; minus strand). Cytogenetic location: 9q22.31.
Variant type: single nucleotide variant.
Coding change: c.1153G>A on transcript NM_006415.4 (MANE Select); coding-DNA position 1153, G replaced by A.
Protein change: p.Val385Met; replaces valine 385 with methionine.
Molecular consequence: missense variant.
Genome position (GRCh38, 1-based): chr9:92,038,349, C>T on the plus strand (G>A on the coding strand, the complement: SPTLC1 is on the minus strand). VCF-style: chr9-92038349-C-T. GRCh37 (hg19) VCF-style: chr9-94800631-C-T.
Other names: c.1153G>A, p.Val385Met (NM_001281303.2); c.787G>A, p.Val263Met (NM_001368272.1); c.688G>A, p.Val230Met (NM_001368273.1); short protein forms V230M, V263M, V385M.
Identifiers: ClinVar variation 1468340 (VCV001468340.7), dbSNP rs373007603, ClinGen allele CA5121289.